The following is an entry in ClinVar:

ClinVar aggregate classification (germline): Uncertain significance (1 of 4 stars; one submission).

Conditions:
Tuberous sclerosis 1 (TSC1). Identifiers: Orphanet 805, MedGen C1854465, MONDO:0008612, OMIM 191100.

Submission:

Labcorp Genetics (formerly Invitae), Labcorp
Classification: Uncertain significance for Tuberous sclerosis 1. Last evaluated: 2024-06-21. Review status: criteria provided, single submitter. Criteria: Invitae Variant Classification Sherloc (09022015). Collection method: clinical testing. Allele origin: germline.
Comment: This sequence change replaces isoleucine, which is neutral and non-polar, with threonine, which is neutral and polar, at codon 580 of the TSC1 protein (p.Ile580Thr). This variant is not present in population databases (gnomAD no frequency). This variant has not been reported in the literature in individuals affected with TSC1-related conditions. Advanced modeling of protein sequence and biophysical properties (such as structural, functional, and spatial information, amino acid conservation, physicochemical variation, residue mobility, and thermodynamic stability) performed at Invitae indicates that this missense variant is not expected to disrupt TSC1 protein function with a negative predictive value of 95%. In summary, the available evidence is currently insufficient to determine the role of this variant in disease. Therefore, it has been classified as a Variant of Uncertain Significance.

NM_000368.5(TSC1):c.1739T>C (p.Ile580Thr)

Gene: TSC1 (TSC complex subunit 1; minus strand). Cytogenetic location: 9q34.13.
Variant type: single nucleotide variant.
Coding change: c.1739T>C on transcript NM_000368.5 (MANE Select); coding-DNA position 1739, T replaced by C.
Protein change: p.Ile580Thr; replaces isoleucine 580 with threonine.
Molecular consequence: missense variant. On other transcripts: non-coding transcript variant (5).
Genome position (GRCh38, 1-based): chr9:132,905,839, A>G on the plus strand (T>C on the coding strand, the complement: TSC1 is on the minus strand). VCF-style: chr9-132905839-A-G. GRCh37 (hg19) VCF-style: chr9-135781226-A-G.
Other names: c.1736T>C, p.Ile579Thr (NM_001162426.2, NM_001406608.1, NM_001406609.1 and 6 more transcripts); c.1586T>C, p.Ile529Thr (NM_001162427.2, NM_001406610.1); c.1376T>C, p.Ile459Thr (NM_001362177.2, NM_001406614.1, NM_001406615.1 and 5 more transcripts); c.1739T>C, p.Ile580Thr (NM_001406592.1, NM_001406593.1, NM_001406594.1 and 7 more transcripts); c.1583T>C, p.Ile528Thr (NM_001406611.1, NM_001406612.1, NM_001406613.1); c.1373T>C, p.Ile458Thr (NM_001406625.1, NM_001406620.1, NM_001406621.1 and 2 more transcripts); c.788T>C, p.Ile263Thr (NM_001406626.1); c.785T>C, p.Ile262Thr (NM_001406627.1, NM_001406628.1); and 1 more; short protein forms I459T, I528T, I580T, I458T, I529T, I579T, I229T, I262T.
Identifiers: ClinVar variation 3657237 (VCV003657237.2).